The following is an entry in ClinVar:

NM_000038.6(APC):c.2099A>G (p.Asp700Gly)

Gene: APC (APC regulator of Wnt signaling pathway; plus strand). Cytogenetic location: 5q22.2.
Variant type: single nucleotide variant.
Coding change: c.2099A>G on transcript NM_000038.6 (MANE Select); coding-DNA position 2099, A replaced by G.
Protein change: p.Asp700Gly; replaces aspartic acid 700 with glycine.
Molecular consequence: missense variant. On other transcripts: non-coding transcript variant (2).
Genome position (GRCh38, 1-based): chr5:112,837,693, A>G. VCF-style: chr5-112837693-A-G. GRCh37 (hg19) VCF-style: chr5-112173390-A-G.
Other names: c.1721A>G, p.Asp574Gly (NM_001354904.2); c.1619A>G, p.Asp540Gly (NM_001354905.2); c.1250A>G, p.Asp417Gly (NM_001354906.2, NM_001407470.1); c.2183A>G, p.Asp728Gly (NM_001407446.1); c.2153A>G, p.Asp718Gly (NM_001407447.1, NM_001354896.2, NM_001407448.1 and 1 more transcripts); c.1796A>G, p.Asp599Gly (NM_001407458.1, NM_001407459.1, NM_001407460.1 and 1 more transcripts); c.1712A>G, p.Asp571Gly (NM_001407467.1, NM_001407469.1); c.947A>G, p.Asp316Gly (NM_001407471.1, NM_001407472.1); and 11 more; short protein forms D540G, D574G, D617G, D690G, D728G, D659G, D693G, D718G.
Identifiers: ClinVar variation 4843505 (VCV004843505.1).

ClinVar aggregate classification (germline): Uncertain significance (1 of 4 stars; one submission).

Conditions:
Hereditary cancer-predisposing syndrome. Also called: Neoplastic Syndromes, Hereditary; Tumor predisposition; Hereditary Cancer Syndrome; Hereditary neoplastic syndrome. Identifiers: Orphanet 140162, MedGen C0027672, MeSH D009386, MONDO:0015356.

Submission:

Ambry Genetics
Classification: Uncertain significance for Hereditary cancer-predisposing syndrome. Last evaluated: 2025-12-15. Review status: criteria provided, single submitter. Criteria: Ambry Variant Classification Scheme 2023. Collection method: clinical testing. Allele origin: germline.
Comment: The p.D700G variant (also known as c.2099A>G), located in coding exon 15 of the APC gene, results from an A to G substitution at nucleotide position 2099. The aspartic acid at codon 700 is replaced by glycine, an amino acid with similar properties. This amino acid position is conserved. In addition, in silico predictors for this gene do not accurately predict pathogenicity. Based on the available evidence, the clinical significance of this variant remains unclear.